The following is an entry in ClinVar:

NM_003000.3(SDHB):c.268C>T (p.Arg90Ter)

Gene: SDHB (succinate dehydrogenase complex iron sulfur subunit B; minus strand). Cytogenetic location: 1p36.13.
Variant type: single nucleotide variant.
Coding change: c.268C>T on transcript NM_003000.3 (MANE Select); coding-DNA position 268, C replaced by T.
Protein change: p.Arg90Ter; replaces arginine 90 with a stop codon.
Molecular consequence: nonsense.
Genome position (GRCh38, 1-based): chr1:17,033,078, G>A on the plus strand (C>T on the coding strand, the complement: SDHB is on the minus strand). VCF-style: chr1-17033078-G-A. GRCh37 (hg19) VCF-style: chr1-17359573-G-A.
Other names: p.R90*:CGA>TGA; short protein forms R90*.
Identifiers: ClinVar variation 12778 (VCV000012778.95), dbSNP rs74315366, ClinGen allele CA015643.
Genomic context (GRCh38, chr1:17,033,078, plus strand): 5'-AGACCACAAGTATCTGGAGCCCAACAGGAATGAAATGCTCACCTTCTCTGCATGATCTTC[G>A]GAAGGTCAAAGTAGAGTCAACTTCATTCTTAATCTTGATTAAAGCATCCAATACCATGGG-3'

ClinVar aggregate classification (germline): Pathogenic. Review status: criteria provided, multiple submitters, no conflicts (2 of 4 stars). 18 submissions from 18 submitters: Pathogenic (16). 2 of the submissions do not count toward it. Last evaluated 2026-08-06.

Conditions:
Inherited phaeochromocytoma and paraganglioma excluding NF1.
Pheochromocytoma/paraganglioma syndrome 4. Also called: SDHB-Related Hereditary Paraganglioma-Pheochromocytoma Syndrome; CAROTID BODY TUMORS AND MULTIPLE EXTRAADRENAL PHEOCHROMOCYTOMAS; Paragangliomas 4; PARAGANGLIOMA, FAMILIAL MALIGNANT; PARAGANGLIOMAS, HEREDITARY EXTRAADRENAL; PHEOCHROMOCYTOMA, FAMILIAL EXTRAADRENAL. Identifiers: Orphanet 29072, MedGen C1861848, MONDO:0007273, OMIM 115310.
Gastrointestinal stromal tumor. Also called: Gastrointestinal stroma tumor; Gastrointestinal stromal tumor, somatic. Identifiers: Orphanet 44890, MedGen C0238198, MeSH D046152, MONDO:0011719, OMIM 606764, HP:0100723.
Pheochromocytoma. Also called: MAX-Related Hereditary Paraganglioma-Pheochromocytoma Syndrome. Identifiers: Orphanet 29072, MedGen C0031511, MONDO:0008233, OMIM 171300, HP:0002666.
Hereditary cancer-predisposing syndrome. Also called: Hereditary neoplastic syndrome; Hereditary Cancer Syndrome; Neoplastic Syndromes, Hereditary; Tumor predisposition. Identifiers: Orphanet 140162, MedGen C0027672, MeSH D009386, MONDO:0015356.
Carney-Stratakis syndrome. Also called: PARAGANGLIOMA AND GASTROINTESTINAL STROMAL TUMOR. Identifiers: Orphanet 97286, MedGen C1847319, MONDO:0011740, OMIM 606864.
Hereditary pheochromocytoma and paraganglioma. Also called: Hereditary pheochromocytoma-paraganglioma; Hereditary paragangliomas and pheochromocytomas; Hereditary Paraganglioma-Pheochromocytoma Syndromes. Identifiers: Orphanet 29072, MedGen C4274332, MONDO:0017366.
Von Hippel-Lindau syndrome (VHLS). Also called: Von Hippel-Lindau; VHL syndrome; von Hippel–Lindau syndrome. Identifiers: Orphanet 892, MedGen C0019562, MONDO:0008667, OMIM 193300. Disease mechanism: loss of function.

Allele frequency attached by ClinVar (database versions not stated): gnomAD exomes 0.00001; 1000 Genomes Project 0.00020; TOPMed below 0.00001; ExAC 0.00001; 1000 Genomes Project 30x 0.00016; gnomAD 0.00001.
gnomAD v4.1: 7 of 1,613,230 alleles (0.00043%); highest among the groups gnomAD compares: African/African-American, 0.0013%; no homozygotes.

Submissions 1 to 11 of 18:

NHS Central & South Genomic Laboratory Hub
Classification: Pathogenic for Inherited phaeochromocytoma and paraganglioma excluding NF1. Last evaluated: 2026-08-06. Review status: criteria provided, single submitter. Criteria: ACMG Guidelines, 2015. Collection method: clinical testing. Allele origin: germline. Affected: yes.

Labcorp Genetics (formerly Invitae), Labcorp
Classification: Pathogenic for Gastrointestinal stromal tumor; Pheochromocytoma/paraganglioma syndrome 4; Pheochromocytoma. Last evaluated: 2026-01-12. Review status: criteria provided, single submitter. Criteria: Invitae Variant Classification Sherloc (09022015). Collection method: clinical testing. Allele origin: germline.
Comment: This sequence change creates a premature translational stop signal (p.Arg90*) in the SDHB gene. It is expected to result in an absent or disrupted protein product. Loss-of-function variants in SDHB are known to be pathogenic (PMID: 19454582, 19802898). This variant is present in population databases (rs74315366, gnomAD 0.0009%). This premature translational stop signal has been observed in individual(s) with pheochromocytoma, paraganglioma and renal cell carcinoma (PMID: 11404820, 12618761, 16314641, 16317055, 18419787, 19454582, 21348866, 21934479, 23083876, 24466223, 25326637). This variant is also known as R91X. ClinVar contains an entry for this variant (Variation ID: 12778). For these reasons, this variant has been classified as Pathogenic.

Center for Genomic Medicine, Rigshospitalet, Copenhagen University Hospital
Classification: Pathogenic. Last evaluated: 2025-03-04. Review status: criteria provided, single submitter. Criteria: ACMG Guidelines, 2015. Collection method: clinical testing. Allele origin: germline.

Genomic Medicine Center of Excellence, King Faisal Specialist Hospital and Research Centre
Classification: Pathogenic for Pheochromocytoma/paraganglioma syndrome 4. Last evaluated: 2024-03-25. Review status: criteria provided, single submitter. Criteria: ACMG Guidelines, 2015. Collection method: clinical testing. Allele origin: germline.

Myriad Genetics, Inc.
Classification: Pathogenic for Pheochromocytoma/paraganglioma syndrome 4. Last evaluated: 2024-02-08. Review status: criteria provided, single submitter. Criteria: Myriad Autosomal Dominant, Autosomal Recessive and X-Linked Classification Criteria (2023). Collection method: clinical testing. Allele origin: unknown.
Comment: This variant is considered pathogenic. This variant creates a termination codon and is predicted to result in premature protein truncation.

Ambry Genetics
Classification: Pathogenic for Hereditary cancer-predisposing syndrome. Last evaluated: 2024-01-05. Review status: criteria provided, single submitter. Criteria: Ambry Variant Classification Scheme 2023. Collection method: clinical testing. Allele origin: germline.
Comment: The p.R90* pathogenic mutation (also known as c.268C>T), located in coding exon 3 of the SDHB gene, results from a C to T substitution at nucleotide position 268. This changes the amino acid from an arginine to a stop codon within coding exon 3. This pathogenic mutation has been reported in multiple unrelated families exhibiting pheochromocytomas and/or paragangliomas (Astuti D et al. Am J Hum Genet. 2001 Jul;69(1):49-54; Benn DE et al. J. Clin. Endocrinol. Metab. 2006 Mar;91:827-36; Ricketts CJ et al. J Urol. 2012 Dec;188(6):2063-71; Crona J et al. PLoS One. 2014 Jan;9(1):e86756; Jochmanova I et al. J. Cancer Res. Clin. Oncol. 2017 Aug;143(8):1421-1435; Albattal S et al. Oncotarget. 2019 Oct 15;10(57):5919-5931). It was recently seen in a patient with a duodenal GIST who also had a family history of paragangliomas. IHC analysis of the GIST showed negative SDHB staining, and the tumor was positive for the p.R90* mutation (Elston MS et al. J. Clin. Endocrinol. Metab. 2017 May;102(5):1447-1450). In vitro data showed complete loss of SDHB expression in cytosolic and mitochondrial compartments as well as no measurable SDH activity in cells transfected with this truncating mutation (Kim E et al. Endocr. Relat. Cancer 2015 Jun;22:387-97). Of note, this mutation is referred to as p.R91X in the Astuti (2001) paper. In addition to the clinical data presented in the literature, this alteration is expected to result in loss of function by premature protein truncation or nonsense-mediated mRNA decay. As such, this alteration is interpreted as a disease-causing mutation.

Laboratory of Molecular and Cytogenetics, Department of Anatomy, All India Institute of Medical Sciences (AIIMS)
Classification: Pathogenic for Von Hippel-Lindau syndrome. Last evaluated: 2023-05-10. Review status: criteria provided, single submitter. Criteria: ACMG Guidelines, 2015. Collection method: clinical testing. Allele origin: germline. Affected: yes.

Genetics and Molecular Pathology, SA Pathology
Classification: Pathogenic for Pheochromocytoma/paraganglioma syndrome 4. Last evaluated: 2022-05-27. Review status: criteria provided, single submitter. Criteria: ACMG Guidelines, 2015. Collection method: clinical testing. Allele origin: germline. Inheritance: Autosomal dominant inheritance. Affected: yes.

Women's Health and Genetics/Laboratory Corporation of America, LabCorp
Classification: Pathogenic for Hereditary pheochromocytoma and paraganglioma. Last evaluated: 2022-05-17. Review status: criteria provided, single submitter. Criteria: LabCorp Variant Classification Summary - May 2015. Collection method: clinical testing. Allele origin: germline.
Comment: Variant summary: SDHB c.268C>T (p.Arg90X) results in a premature termination codon, predicted to cause a truncation of the encoded protein or absence of the protein due to nonsense mediated decay, which are commonly known mechanisms for disease. Truncations downstream of this position have been classified as pathogenic by our laboratory. The variant allele was found at a frequency of 8e-06 in 251336 control chromosomes (gnomAD). c.268C>T has been reported in the literature in multiple individuals affected with Hereditary Paraganglioma-Pheochromocytoma Syndrome (e.g. Astuti_2001, Benn_2006, Andrews_2018). These data indicate that the variant is very likely to be associated with disease. Experimental evidence demonstrated the variant has no protein activity (Kim_2015). Five ClinVar submitters (evaluation after 2014) cite the variant as pathogenic. Based on the evidence outlined above, the variant was classified as pathogenic.

GeneDx
Classification: Pathogenic. Last evaluated: 2021-12-10. Review status: criteria provided, single submitter. Criteria: GeneDx Variant Classification Process June 2021. Collection method: clinical testing. Allele origin: germline. Affected: yes.
Comment: Nonsense variant predicted to result in protein truncation or nonsense mediated decay in a gene for which loss-of-function is a known mechanism of disease; Not observed at significant frequency in large population cohorts (gnomAD); Also known as p.(R62*); This variant is associated with the following publications: (PMID: 26332594, 27573198, 17102068, 20061288, 25371406, 27171833, 16314641, 18419787, 25972245, 25525159, 22517557, 11404820, 28324028, 26230854, 21934479, 26464466, 23083876, 28374168, 19454582, 28973655, 15328326, 19576851, 12618761, 16317055, 24659481, 28748451, 30050099, 31666924, 31492822, 32804377, 32741965, 30787465, 33726816)

Quest Diagnostics Nichols Institute San Juan Capistrano
Classification: Pathogenic. Last evaluated: 2021-08-18. Review status: criteria provided, single submitter. Criteria: Quest Diagnostics criteria. Collection method: clinical testing. Allele origin: unknown.
Comment: This nonsense variant causes the premature termination of SDHB protein synthesis. In the published literature, the variant has been reported in individuals with paraganglioma, pheochromocytoma, gastrointestinal stromal tumor, and renal cell carcinoma (PMIDs: 28374168 (2017), 28324028 (2017), 23083876 (2012), 19454582 (2009), 18419787 (2008), and 11404820 (2001)). Therefore, the variant is classified as pathogenic.